The following is an entry in ClinVar:

NM_016038.4(SBDS):c.615G>C (p.Gln205His)

Gene: SBDS (SBDS ribosome maturation factor; minus strand). Cytogenetic location: 7q11.21.
Variant type: single nucleotide variant.
Coding change: c.615G>C on transcript NM_016038.4 (MANE Select); coding-DNA position 615, G replaced by C.
Protein change: p.Gln205His; replaces glutamine 205 with histidine.
Molecular consequence: missense variant.
Genome position (GRCh38, 1-based): chr7:66,991,146, C>G on the plus strand (G>C on the coding strand, the complement: SBDS is on the minus strand). VCF-style: chr7-66991146-C-G. GRCh37 (hg19) VCF-style: chr7-66456133-C-G.
Other names: short protein forms Q205H.
Identifiers: ClinVar variation 3950347 (VCV003950347.1).

ClinVar aggregate classification (germline): Uncertain significance (1 of 4 stars; one submission).

Conditions:
Inborn genetic diseases. Identifiers: MedGen C0950123, MeSH D030342.

Submission:

Ambry Genetics
Classification: Uncertain significance for Inborn genetic diseases. Last evaluated: 2025-06-14. Review status: criteria provided, single submitter. Criteria: Ambry Variant Classification Scheme 2023. Collection method: clinical testing. Allele origin: germline.
Comment: The p.Q205H variant (also known as c.615G>C), located in coding exon 4 of the SBDS gene, results from a G to C substitution at nucleotide position 615. The glutamine at codon 205 is replaced by histidine, an amino acid with highly similar properties. This amino acid position is conserved. In addition, the in silico prediction for this alteration is inconclusive. Based on the available evidence, the clinical significance of this variant remains unclear.